The following is an entry in ClinVar:

ClinVar aggregate classification (germline): Pathogenic (1 of 4 stars; one submission).

Conditions:
Mucopolysaccharidosis, MPS-II (MPS2). Also called: Hunter Syndrome; IDURONATE 2-SULFATASE DEFICIENCY; Mucopolysaccharidosis Type II; Mucopolysaccharidosis type 2; Attenuated MPS (subtype; formerly known as mild MPS II); Severe MPS II. Identifiers: Orphanet 580, Orphanet 79388, MedGen C0026705, MONDO:0010674, OMIM 309900.

Submission:

Laboratory of Diagnosis and Therapy of Lysosomal Disorders, University of Padova
Classification: Pathogenic for Mucopolysaccharidosis, MPS-II. Last evaluated: 2024-06-07. Review status: criteria provided, single submitter. Criteria: ACMG Guidelines, 2015. Collection method: literature only. Allele origin: germline. Affected: yes. Observed: 2 variant alleles.
Comment: In vitro or in vivo functional studies supportive of a damaging effect (PS3_Strong), Located in a mutational hot spot and/or critical functional domain (PM1_Moderate), Absent from controls (or at low frequency) in gnomAD database (PM2_Moderate), Missense variant in a gene with a low rate of benign missense variation (PP2_Supporting), Multiple lines of computational evidence support a deleterious effect (PP3_Supporting), Patient’s phenotype or family history highly specific for the disease (PP4_Moderate)

Classification method: ACMG Guidelines [PMID:25741868] with modifications

Literature cited by the submitters: PubMed 16480701; PubMed 31877959.

NM_000202.8(IDS):c.1039A>G (p.Lys347Glu)

Genes: IDS (iduronate 2-sulfatase; minus strand), LOC106050102 (IDS recombination region; plus strand). Cytogenetic location: Xq28.
Variant type: single nucleotide variant.
Coding change: c.1039A>G on transcript NM_000202.8 (MANE Select); coding-DNA position 1039, A replaced by G.
Protein change: p.Lys347Glu; replaces lysine 347 with glutamic acid.
Molecular consequence: missense variant.
Genome position (GRCh38, 1-based): chrX:149,487,066, T>C on the plus strand (A>G on the coding strand, the complement: IDS is on the minus strand). VCF-style: chrX-149487066-T-C. GRCh37 (hg19) VCF-style: chrX-148568597-T-C.
Other names: c.769A>G, p.Lys257Glu (NM_001166550.4); short protein forms K257E, K347E.
Identifiers: ClinVar variation 3255942 (VCV003255942.2).